The following is an entry in ClinVar:

ClinVar aggregate classification (germline): Conflicting classifications of pathogenicity. Review status: criteria provided, conflicting classifications (1 of 4 stars). 13 submissions from 13 submitters: Uncertain significance (10); Likely benign (1). 2 of the submissions do not count toward it. Last evaluated 2026-08-14.

Conditions:
Inborn genetic diseases. Identifiers: MedGen C0950123, MeSH D030342.
Febrile seizures, familial, 4 (FEB4). Also called: CONVULSIONS, FAMILIAL FEBRILE, 4. Identifiers: MedGen C1858493, MONDO:0011443, OMIM 604352.
Usher syndrome type 2C. Also called: Usher syndrome, type 2B; USHER SYNDROME, TYPE IIC. Identifiers: Orphanet 231178, Orphanet 886, MedGen C2931213, MONDO:0011558, OMIM 605472.
ADGRV1-related disorder. Also called: ADGRV1-related disorders; ADGRV1-related condition.

Allele frequency attached by ClinVar (database versions not stated): ExAC 0.00009; gnomAD exomes 0.00011; TOPMed 0.00014; 1000 Genomes Project 30x 0.00016; ESP Exome Variant Server 0.00017; gnomAD 0.00017; 1000 Genomes Project 0.00020.
gnomAD v4.1: 275 of 1,613,566 alleles (0.017%); highest among the groups gnomAD compares: Admixed American, 0.023%; no homozygotes.

Submissions (13):

GeneDx
Classification: Uncertain significance. Last evaluated: 2026-08-14. Review status: criteria provided, single submitter. Criteria: GeneDx Variant Classification Process June 2021. Collection method: clinical testing. Allele origin: germline.
Comment: In silico analysis supports that this missense variant has a deleterious effect on protein structure/function; Has not been previously published as pathogenic or benign in association with an ADGRV1-related disorder to our knowledge; This variant is associated with the following publications: (PMID: 27377421, 35578349)

Women's Health and Genetics/Laboratory Corporation of America, LabCorp
Classification: Uncertain significance. Last evaluated: 2026-05-28. Review status: criteria provided, single submitter. Criteria: LabCorp Variant Classification Summary - May 2015. Collection method: clinical testing. Allele origin: germline.
Comment: Variant summary: ADGRV1 c.13382A>G (p.His4461Arg) results in a non-conservative amino acid change in the encoded protein sequence. Algorithms developed to predict the effect of missense changes on protein structure and function are either unavailable or do not agree on the potential impact of this missense change. The variant allele was found at a frequency of 0.00011 in 248872 control chromosomes. This frequency is not significantly higher than estimated for disease-causing variants in ADGRV1, allowing no conclusion about variant significance. To our knowledge, no occurrence of c.13382A>G in individuals affected with ADGRV1-related conditions and no experimental evidence demonstrating its impact on protein function have been reported. ClinVar contains an entry for this variant (Variation ID: 376988). Based on the evidence outlined above, the variant was classified as uncertain significance.

PreventionGenetics, part of Exact Sciences
Classification: Uncertain significance for ADGRV1-related condition. Last evaluated: 2026-05-27. Review status: criteria provided, single submitter. Criteria: ACMG Guidelines, 2015. Collection method: clinical testing. Allele origin: germline.
Comment: The ADGRV1 c.13382A>G variant is predicted to result in the amino acid substitution p.His4461Arg. To our knowledge, this variant has not been reported in the literature. This variant is reported in 0.017% of alleles in individuals of Latino descent in gnomAD. At this time, the clinical significance of this variant is uncertain due to the absence of conclusive functional and genetic evidence.

Labcorp Genetics (formerly Invitae), Labcorp
Classification: Likely benign. Last evaluated: 2026-01-20. Review status: criteria provided, single submitter. Criteria: Invitae Variant Classification Sherloc (09022015). Collection method: clinical testing. Allele origin: germline.

Ambry Genetics
Classification: Uncertain significance for Inborn genetic diseases. Last evaluated: 2025-06-17. Review status: criteria provided, single submitter. Criteria: Ambry Variant Classification Scheme 2023. Collection method: clinical testing. Allele origin: germline.

Blueprint Genetics
Classification: Uncertain significance. Last evaluated: 2024-09-24. Review status: criteria provided, single submitter. Criteria: ACMG Guidelines, 2015. Collection method: clinical testing. Allele origin: germline.

ARUP Laboratories, Molecular Genetics and Genomics, ARUP Laboratories
Classification: Uncertain significance. Last evaluated: 2023-11-22. Review status: criteria provided, single submitter. Criteria: ARUP Molecular Germline Variant Investigation Process 2024. Collection method: clinical testing. Allele origin: germline.

Fulgent Genetics
Classification: Uncertain significance for Febrile seizures, familial, 4; Usher syndrome type 2C. Last evaluated: 2018-10-31. Review status: criteria provided, single submitter. Criteria: ACMG Guidelines, 2015. Collection method: clinical testing. Allele origin: unknown.

Illumina Laboratory Services, Illumina
Classification: Uncertain significance for Usher syndrome type 2C. Last evaluated: 2018-01-12. Review status: criteria provided, single submitter. Criteria: ICSL Variant Classification Criteria 13 December 2019. Collection method: clinical testing. Allele origin: germline.

Laboratory for Molecular Medicine, Mass General Brigham Personalized Medicine
Classification: Uncertain significance. Last evaluated: 2017-03-28. Review status: criteria provided, single submitter. Criteria: LMM Criteria. Collection method: clinical testing. Allele origin: germline. Observed: 1 variant allele.
Comment: The p.His4461Arg variant in GPR98 has not been previously reported in individual s with hearing loss, but has been identified in 7/66510 European chromosomes by the Exome Aggregation Consortium (ExAC; dbSNP rs 182698253). Although this variant has been seen in the general population, its f requency is not high enough to rule out a pathogenic role. Computational predict ion tools and conservation analysis do not provide strong support for or against an impact to the protein. In summary, the clinical significance of the p.His446 1Arg variant is uncertain.

Center for Pediatric Genomic Medicine, Children's Mercy Hospital and Clinics
Classification: Uncertain significance. Last evaluated: 2016-06-27. Review status: criteria provided, single submitter. Criteria: ACMG Guidelines, 2015. Collection method: clinical testing. Allele origin: germline.
ClinVar note: Converted during submission from Uncertain Significance to Uncertain significance.

Diagnostic Laboratory, Department of Genetics, University Medical Center Groningen
Classification: Uncertain significance. Review status: no assertion criteria provided. Collection method: clinical testing. Allele origin: germline. Affected: yes. Study: VKGL Data-share Consensus. Not counted in ClinVar's aggregate classification.

Genome Diagnostics Laboratory, University Medical Center Utrecht
Classification: Uncertain significance. Review status: no assertion criteria provided. Collection method: clinical testing. Allele origin: germline. Affected: yes. Study: VKGL Data-share Consensus. Not counted in ClinVar's aggregate classification.

NM_032119.4(ADGRV1):c.13382A>G (p.His4461Arg)

Gene: ADGRV1 (adhesion G protein-coupled receptor V1; plus strand). Cytogenetic location: 5q14.3.
Variant type: single nucleotide variant.
Coding change: c.13382A>G on transcript NM_032119.4 (MANE Select); coding-DNA position 13382, A replaced by G.
Protein change: p.His4461Arg; replaces histidine 4461 with arginine.
Molecular consequence: missense variant. On other transcripts: non-coding transcript variant (1).
Genome position (GRCh38, 1-based): chr5:90,783,274, A>G. VCF-style: chr5-90783274-A-G. GRCh37 (hg19) VCF-style: chr5-90079091-A-G.
Other names: short protein forms H4461R.
Identifiers: ClinVar variation 376988 (VCV000376988.36), dbSNP rs182698253, ClinGen allele CA3341508.